The following is an entry in ClinVar:

NM_006767.4(LZTR1):c.1523del (p.Leu508fs)

Gene: LZTR1 (leucine zipper like post translational regulator 1; plus strand). Cytogenetic location: 22q11.21.
Variant type: Deletion.
Coding change: c.1523del on transcript NM_006767.4 (MANE Select); coding-DNA position 1523, one base deleted (T; older notation c.1523delT).
Protein change: p.Leu508fs; shifts the reading frame from leucine 508.
Molecular consequence: frameshift variant.
Genome position (GRCh38, 1-based): chr22:20,994,177, T deleted. VCF-style (leftmost placement, unchanged base first): chr22-20994176-CT-C. GRCh37 (hg19) VCF-style: chr22-21348465-CT-C.
Other names: short protein forms L508fs.
Identifiers: ClinVar variation 4615583 (VCV004615583.2).

ClinVar aggregate classification (germline): Pathogenic. Review status: criteria provided, multiple submitters, no conflicts (2 of 4 stars). 2 submissions from 2 submitters: Pathogenic (2). Last evaluated 2025-12-03.

Conditions:
Cardiovascular phenotype. Identifiers: MedGen CN230736.
Hereditary cancer-predisposing syndrome. Also called: Neoplastic Syndromes, Hereditary; Tumor predisposition; Hereditary Cancer Syndrome; Hereditary neoplastic syndrome. Identifiers: Orphanet 140162, MedGen C0027672, MeSH D009386, MONDO:0015356.

Submissions (2):

Labcorp Genetics (formerly Invitae), Labcorp
Classification: Pathogenic. Last evaluated: 2025-12-03. Review status: criteria provided, single submitter. Criteria: Invitae Variant Classification Sherloc (09022015). Collection method: clinical testing. Allele origin: germline.
Comment: This sequence change creates a premature translational stop signal (p.Leu508Argfs*48) in the LZTR1 gene. It is expected to result in an absent or disrupted protein product. Loss-of-function variants in LZTR1 are known to be pathogenic (PMID: 24362817, 25335493, 25480913, 25795793, 29469822, 30368668, 30442762, 30442766, 30481304, 30859559). This variant is not present in population databases (gnomAD no frequency). This premature translational stop signal has been observed in individual(s) with LZTR1-related conditions (PMID: 39140257). For these reasons, this variant has been classified as Pathogenic.

Ambry Genetics
Classification: Pathogenic for Cardiovascular phenotype; Hereditary cancer-predisposing syndrome. Last evaluated: 2025-10-22. Review status: criteria provided, single submitter. Criteria: Ambry Variant Classification Scheme 2023. Collection method: clinical testing. Allele origin: germline.
Comment: The c.1523delT pathogenic mutation, located in coding exon 14 of the LZTR1 gene, results from a deletion of one nucleotide at nucleotide position 1523, causing a translational frameshift with a predicted alternate stop codon (p.L508Rfs*48). This variant is considered to be rare based on population cohorts in the Genome Aggregation Database (gnomAD). This alteration is expected to result in loss of function by premature protein truncation or nonsense-mediated mRNA decay. Loss-of-function variants in LZTR1 are related to an increased risk for schwannomas and autosomal recessive Noonan syndrome; however, such associations with autosomal dominant Noonan syndrome have not been observed (Piotrowski A et al. Nat Genet. 2014 Feb;46:182-7; Yamamoto GL et al. J Med Genet. 2015 Jun;52:413-21; Johnston JJ et al. Genet Med. 2018 10;20:1175-1185). Based on the supporting evidence, this variant is pathogenic for an increased risk of LZTR1-related schwannomatosis (SWN) and would be expected to cause autosomal recessive Noonan syndrome when present along with a second pathogenic or likely pathogenic variant on the other allele; however, the association of this alteration with autosomal dominant Noonan syndrome is unlikely.

Literature cited by the submitters: PubMed 24362817 (cited by Labcorp Genetics (formerly Invitae), Labcorp); PubMed 25335493 (cited by Labcorp Genetics (formerly Invitae), Labcorp); PubMed 25480913 (cited by Labcorp Genetics (formerly Invitae), Labcorp); PubMed 25795793 (cited by Labcorp Genetics (formerly Invitae), Labcorp); PubMed 29469822 (cited by Labcorp Genetics (formerly Invitae), Labcorp); PubMed 30368668 (cited by Labcorp Genetics (formerly Invitae), Labcorp); PubMed 30442762 (cited by Labcorp Genetics (formerly Invitae), Labcorp); PubMed 30442766 (cited by Labcorp Genetics (formerly Invitae), Labcorp); PubMed 30481304 (cited by Labcorp Genetics (formerly Invitae), Labcorp); PubMed 30859559 (cited by Labcorp Genetics (formerly Invitae), Labcorp); PubMed 39140257 (cited by Labcorp Genetics (formerly Invitae), Labcorp).